The following is an entry in ClinVar:

NM_001242957.3(MAK):c.101+1G>T

Gene: MAK (male germ cell associated kinase; minus strand). Cytogenetic location: 6p24.2.
Variant type: single nucleotide variant.
Coding change: c.101+1G>T on transcript NM_001242957.3 (MANE Select); the canonical splice donor site of the intron after coding-DNA position 101, G replaced by T.
Molecular consequence: splice donor variant. On other transcripts: intron variant (1).
Genome position (GRCh38, 1-based): chr6:10,830,547, C>A on the plus strand (G>T on the coding strand, the complement: MAK is on the minus strand). VCF-style: chr6-10830547-C-A. GRCh37 (hg19) VCF-style: chr6-10830780-C-A.
Other names: c.-2+7956G>T (NM_001377262.1); c.101+1G>T (NM_005906.6, NM_001242385.2).
Identifiers: ClinVar variation 2077145 (VCV002077145.4), dbSNP rs1300819259, ClinGen allele CA362721684.

ClinVar aggregate classification (germline): Likely pathogenic (1 of 4 stars; one submission).

Submission:

Labcorp Genetics (formerly Invitae), Labcorp
Classification: Likely pathogenic. Last evaluated: 2022-06-11. Review status: criteria provided, single submitter. Criteria: Invitae Variant Classification Sherloc (09022015). Collection method: clinical testing. Allele origin: germline.
Comment: In summary, the currently available evidence indicates that the variant is pathogenic, but additional data are needed to prove that conclusively. Therefore, this variant has been classified as Likely Pathogenic. Algorithms developed to predict the effect of sequence changes on RNA splicing suggest that this variant may disrupt the consensus splice site. Disruption of this splice site has been observed in individual(s) with autosomal recessive retinitis pigmentosa (PMID: 33576794). This variant is not present in population databases (gnomAD no frequency). This sequence change affects a donor splice site in intron 1 of the MAK gene. It is expected to disrupt RNA splicing. Variants that disrupt the donor or acceptor splice site typically lead to a loss of protein function (PMID: 16199547), and loss-of-function variants in MAK are known to be pathogenic (PMID: 21148103, 21825139, 24938718, 29781741).

Literature cited by the submitters: PubMed 33576794; PubMed 16199547; PubMed 21148103; PubMed 21825139; PubMed 24938718; PubMed 29781741.